The following is an entry in ClinVar:

ClinVar aggregate classification (germline): Likely pathogenic. Review status: criteria provided, multiple submitters, no conflicts (2 of 4 stars). 2 submissions from 2 submitters: Likely pathogenic (2). Last evaluated 2026-06-22.

Conditions:
Hereditary cancer-predisposing syndrome. Also called: Tumor predisposition; Neoplastic Syndromes, Hereditary; Hereditary Cancer Syndrome; Hereditary neoplastic syndrome. Identifiers: Orphanet 140162, MedGen C0027672, MeSH D009386, MONDO:0015356.
Familial cancer of breast. Also called: Hereditary breast cancer; BREAST CANCER, FAMILIAL; hereditary breast carcinoma. Identifiers: Orphanet 227535, MedGen C0346153, MONDO:0016419, OMIM 114480. Disease mechanism: loss of function.

Submissions (2):

Ambry Genetics
Classification: Likely pathogenic for Hereditary cancer-predisposing syndrome. Last evaluated: 2026-06-22. Review status: criteria provided, single submitter. Criteria: Ambry Variant Classification Scheme 2023. Collection method: clinical testing. Allele origin: germline.
Comment: The c.6573-1G>A intronic variant results from a G to A substitution one nucleotide upstream from coding exon 45 of the ATM gene. This variant is considered to be rare based on population cohorts in the Genome Aggregation Database (gnomAD). This nucleotide position is highly conserved in available vertebrate species. In silico splice site analysis predicts that this alteration will weaken the native splice acceptor site and will result in the creation or strengthening of a novel splice acceptor site. Variants that disrupt the canonical splice site are expected to cause aberrant splicing, resulting in an abnormal protein or a transcript that is subject to nonsense-mediated mRNA decay. As such, this variant is classified as likely pathogenic.

Myriad Genetics, Inc.
Classification: Likely pathogenic for Familial cancer of breast. Last evaluated: 2024-01-30. Review status: criteria provided, single submitter. Criteria: Myriad Autosomal Dominant, Autosomal Recessive and X-Linked Classification Criteria (2023). Collection method: clinical testing. Allele origin: unknown.
Comment: This variant is considered likely pathogenic. This variant occurs within a consensus splice junction and is predicted to result in abnormal mRNA splicing of either an out-of-frame exon or an in-frame exon necessary for protein stability and/or normal function.

NM_000051.4(ATM):c.6573-1G>A

Genes: ATM (ATM serine/threonine kinase; plus strand), C11orf65 (chromosome 11 open reading frame 65; minus strand). Cytogenetic location: 11q22.3.
Variant type: single nucleotide variant.
Coding change: c.6573-1G>A on transcript NM_000051.4 (MANE Select); the canonical splice acceptor site of the intron before coding-DNA position 6573, G replaced by A.
Molecular consequence: splice acceptor variant. On other transcripts: intron variant (2).
Genome position (GRCh38, 1-based): chr11:108,325,309, G>A. VCF-style: chr11-108325309-G-A. GRCh37 (hg19) VCF-style: chr11-108196036-G-A.
Other names: c.6573-1G>A (NM_001351834.2); c.641-16238C>T (NM_001330368.2); c.*38+9911C>T (NM_001351110.2).
Identifiers: ClinVar variation 826491 (VCV000826491.7), dbSNP rs1591128291, ClinGen allele CA382554638.